The following is an entry in ClinVar:

NM_000637.5(GSR):c.1499C>T (p.Thr500Met)

Gene: GSR (glutathione-disulfide reductase; minus strand). Cytogenetic location: 8p12.
Variant type: single nucleotide variant.
Coding change: c.1499C>T on transcript NM_000637.5 (MANE Select); coding-DNA position 1499, C replaced by T.
Protein change: p.Thr500Met; replaces threonine 500 with methionine.
Molecular consequence: missense variant.
Genome position (GRCh38, 1-based): chr8:30,679,590, G>A on the plus strand (C>T on the coding strand, the complement: GSR is on the minus strand). VCF-style: chr8-30679590-G-A. GRCh37 (hg19) VCF-style: chr8-30537107-G-A.
Other names: c.1412C>T, p.Thr471Met (NM_001195102.3); c.1340C>T, p.Thr447Met (NM_001195103.3); c.1253C>T, p.Thr418Met (NM_001195104.3); short protein forms T418M, T447M, T471M, T500M.
Identifiers: ClinVar variation 3766827 (VCV003766827.1).

ClinVar aggregate classification (germline): Uncertain significance (1 of 4 stars; one submission).

Conditions:
Hemolytic anemia due to glutathione reductase deficiency (CNSHA10). Also called: ANEMIA, CONGENITAL, NONSPHEROCYTIC HEMOLYTIC, 10. Identifiers: Orphanet 90030, MedGen C5231513, MONDO:0019531, OMIM 618660.

gnomAD v4.1: 72 of 1,613,836 alleles (0.0045%); highest among the groups gnomAD compares: Admixed American, 0.022%; no homozygotes.

Submission:

ARUP Laboratories, Molecular Genetics and Genomics, ARUP Laboratories
Classification: Uncertain significance for Hemolytic anemia due to glutathione reductase deficiency. Last evaluated: 2024-09-11. Review status: criteria provided, single submitter. Criteria: ARUP Molecular Germline Variant Investigation Process 2024. Collection method: clinical testing. Allele origin: germline.
Comment: The GSR c.1499C>T; p.Thr500Met variant (rs200685394), to our knowledge, is not reported in the medical literature or gene specific databases in GSR-related conditions. This variant is found in the general population with an overall allele frequency of 0.01% (30/251,482 alleles) in the Genome Aggregation Database (v2.1.1). Computational analyses predict that this variant is deleterious (REVEL: 0.847). However, given the lack of clinical and functional data, the significance of this variant is uncertain at this time.